The following is an entry in ClinVar:

NM_005585.5(SMAD6):c.121A>C (p.Ser41Arg)

Gene: SMAD6 (SMAD family member 6; plus strand). Cytogenetic location: 15q22.31.
Variant type: single nucleotide variant.
Coding change: c.121A>C on transcript NM_005585.5 (MANE Select); coding-DNA position 121, A replaced by C.
Protein change: p.Ser41Arg; replaces serine 41 with arginine.
Molecular consequence: missense variant. On other transcripts: non-coding transcript variant (1).
Genome position (GRCh38, 1-based): chr15:66,703,379, A>C. VCF-style: chr15-66703379-A-C. GRCh37 (hg19) VCF-style: chr15-66995717-A-C.
Other names: short protein forms S41R.
Identifiers: ClinVar variation 3629424 (VCV003629424.2).

ClinVar aggregate classification (germline): Uncertain significance (1 of 4 stars; one submission).

Conditions:
Aortic valve disease 2 (AOVD2). Identifiers: MedGen C3542024, MONDO:0013902, OMIM 614823.

Submission:

Labcorp Genetics (formerly Invitae), Labcorp
Classification: Uncertain significance for Aortic valve disease 2. Last evaluated: 2024-09-17. Review status: criteria provided, single submitter. Criteria: Invitae Variant Classification Sherloc (09022015). Collection method: clinical testing. Allele origin: germline.
Comment: This sequence change replaces serine, which is neutral and polar, with arginine, which is basic and polar, at codon 41 of the SMAD6 protein (p.Ser41Arg). This variant is not present in population databases (gnomAD no frequency). This variant has not been reported in the literature in individuals affected with SMAD6-related conditions. An algorithm developed to predict the effect of missense changes on protein structure and function (PolyPhen-2) suggests that this variant is likely to be tolerated. In summary, the available evidence is currently insufficient to determine the role of this variant in disease. Therefore, it has been classified as a Variant of Uncertain Significance.